The following is an entry in ClinVar:

ClinVar aggregate classification (germline): Pathogenic/Likely pathogenic. Review status: criteria provided, multiple submitters, no conflicts (2 of 4 stars). 11 submissions from 11 submitters: Pathogenic (9); Likely pathogenic (1). 1 of the submissions does not count toward it. Last evaluated 2024-10-10.

Conditions:
TYR-related disorder. Also called: TYR-related condition.
Oculocutaneous albinism type 1A (OCA1A). Also called: Albinism, oculocutaneous, type IA. Identifiers: Orphanet 352731, Orphanet 79431, MedGen C4551504, MONDO:0008745, OMIM 203100. Disease mechanism: loss of function.
Oculocutaneous albinism type 1B (OCA1B). Also called: YELLOW ALBINISM; ALBINISM, OCULOCUTANEOUS, TYPE IB; ALBINISM, YELLOW MUTANT TYPE. Identifiers: Orphanet 352731, Orphanet 352737, Orphanet 79434, MedGen C1847024, MONDO:0011749, OMIM 606952.
SKIN/HAIR/EYE PIGMENTATION 3, LIGHT/DARK SKIN (SHEP3). Also called: SKIN/HAIR/EYE PIGMENTATION 3, BLUE/GREEN EYE COLOR; SKIN/HAIR/EYE PIGMENTATION 3, FRECKLING; SKIN/HAIR/EYE PIGMENTATION, VARIATION IN, 3; EYE COLOR 1; EYE COLOR, GREEN/BLUE. Identifiers: MedGen C2677190, OMIM 601800.

Allele frequency attached by ClinVar (database versions not stated): TOPMed 0.00003.
gnomAD v4.1: 7 of 1,613,474 alleles (0.00043%); highest among the groups gnomAD compares: East Asian, 0.011%; no homozygotes.

Submissions (11):

Victorian Clinical Genetics Services, Murdoch Childrens Research Institute
Classification: Pathogenic for Oculocutaneous albinism type 1A. Last evaluated: 2024-10-10. Review status: criteria provided, single submitter. Criteria: ACMG Guidelines, 2015. Collection method: clinical testing. Allele origin: germline. Inheritance: Autosomal recessive inheritance.
Comment: Based on the classification scheme VCGS_Germline_v1.3.5, this variant is classified as Pathogenic. Following criteria are met: 0102 - Loss of function is a known mechanism of disease in this gene and is associated with oculocutaneous albinism type IA (MIM#203100) and type IB (MIM#606952). (I) 0106 - This gene is associated with autosomal recessive disease. (I) 0200 - Variant is predicted to result in a missense amino acid change from arginine to serine. (I) 0251 - This variant is heterozygous. (I) 0304 - Variant is present in gnomAD (v4) <0.01 for a recessive condition (7 heterozygotes, 0 homozygotes). (SP) 0309 - Multiple alternative amino acid changes at the same position have been observed in gnomAD (v4) (highest allele count: 128 heterozygotes, 0 homozygotes). (I) 0501 - Missense variant consistently predicted to be damaging by multiple in silico tools or highly conserved with a major amino acid change. (SP) 0801 - This variant has strong previous evidence of pathogenicity in unrelated individuals. This variant has been classified as pathogenic in ClinVar, and has been observed in multiple unrelated individuals with oculocutaneous albinism (PMID: 28451379, 18463683, 13680365, 33124154). (SP) Legend: (SP) - Supporting pathogenic, (I) - Information, (SB) - Supporting benign

Labcorp Genetics (formerly Invitae), Labcorp
Classification: Pathogenic. Last evaluated: 2024-05-19. Review status: criteria provided, single submitter. Criteria: Invitae Variant Classification Sherloc (09022015). Collection method: clinical testing. Allele origin: germline.
Comment: This sequence change replaces arginine, which is basic and polar, with serine, which is neutral and polar, at codon 299 of the TYR protein (p.Arg299Ser). This variant is present in population databases (rs61754374, gnomAD 0.03%). This missense change has been observed in individual(s) with ocular albinism (PMID: 13680365, 16570240, 18701257, 31077556). In at least one individual the data is consistent with being in trans (on the opposite chromosome) from a pathogenic variant. It has also been observed to segregate with disease in related individuals. ClinVar contains an entry for this variant (Variation ID: 99587). Advanced modeling of protein sequence and biophysical properties (such as structural, functional, and spatial information, amino acid conservation, physicochemical variation, residue mobility, and thermodynamic stability) performed at Invitae indicates that this missense variant is expected to disrupt TYR protein function with a positive predictive value of 80%. This variant disrupts the p.Arg299 amino acid residue in TYR. Other variant(s) that disrupt this residue have been determined to be pathogenic (PMID: 1642278, 28112372, 28266639). This suggests that this residue is clinically significant, and that variants that disrupt this residue are likely to be disease-causing. For these reasons, this variant has been classified as Pathogenic.

Baylor Genetics
Classification: Pathogenic for SKIN/HAIR/EYE PIGMENTATION 3, LIGHT/DARK SKIN. Last evaluated: 2023-05-08. Review status: criteria provided, single submitter. Criteria: ACMG Guidelines, 2015. Collection method: clinical testing. Allele origin: unknown.

PreventionGenetics, part of Exact Sciences
Classification: Pathogenic for TYR-related condition. Last evaluated: 2023-04-27. Review status: criteria provided, single submitter. Criteria: ACMG Guidelines, 2015. Collection method: clinical testing. Allele origin: germline.
Comment: The TYR c.895C>A variant is predicted to result in the amino acid substitution p.Arg299Ser. This variant has been reported in the compound heterozygous state in several individuals with oculocutaneous albinism (see for examples King et al. 2003. PubMed ID: 13680365; Zhong et al. 2019. PubMed ID: 31077556). Alternate substitutions of this amino acid (p.Arg299His and p.Arg299Cys) have also been reported in individuals with oculocutaneous albinism (Zhong et al. 2019. PubMed ID: 31077556). This c.895C>A (p.Arg299Ser) variant is reported in 0.038% of alleles in individuals of East Asian descent in gnomAD, and has been classified as pathogenic by multiple independent submitters to the ClinVar database. Given the evidence, we interpret c.895C>A (p.Arg299Ser) as pathogenic.

Genome-Nilou Lab
Classification: Pathogenic for Oculocutaneous albinism type 1A. Last evaluated: 2021-07-22. Review status: criteria provided, single submitter. Criteria: ACMG Guidelines, 2015. Collection method: clinical testing. Allele origin: germline. Affected: no.

Blueprint Genetics
Classification: Likely pathogenic for TYR-related disorders. Last evaluated: 2020-11-03. Review status: criteria provided, single submitter. Criteria: ACMG Guidelines, 2015. Collection method: clinical testing. Allele origin: germline. Affected: yes. Observed: 3 variant alleles.

Molecular Diagnostics Laboratory, M Health Fairview: University of Minnesota
Classification: Pathogenic for Oculocutaneous albinism type 1A. Last evaluated: 2017-12-15. Review status: criteria provided, single submitter. Criteria: ACMG Guidelines, 2015. Collection method: clinical testing. Allele origin: germline. Affected: yes. Observed: 1 variant allele.

Genetic Services Laboratory, University of Chicago
Classification: Pathogenic for Albinism, oculocutaneous, type IA. Last evaluated: 2016-09-30. Review status: criteria provided, single submitter. Criteria: ACMG Guidelines, 2015. Collection method: clinical testing. Allele origin: germline. Affected: yes.

Clinical Genetics Service, Universitary Hospital 12 de Octubre
Classification: Pathogenic for Oculocutaneous albinism type 1A. Review status: criteria provided, single submitter. Criteria: ACMG Guidelines, 2015. Collection method: clinical testing. Allele origin: germline. Affected: yes.

Juno Genomics, Hangzhou Juno Genomics, Inc
Classification: Pathogenic for Oculocutaneous albinism type 1A; Oculocutaneous albinism type 1B. Review status: criteria provided, single submitter. Criteria: ACMG Guidelines, 2015. Collection method: clinical testing. Allele origin: germline. Affected: yes.
Comment: Absent from controls (or at extremely low frequency if recessive) in Genome Aggregation Database, Exome Sequencing Project, 1000 Genomes Project, or Exome Aggregation Consortium.;Multiple lines of computational evidence support a deleterious effect on the gene or gene product (conservation, evolutionary, splicing impact, etc).;For recessive disorders, detected in trans with a pathogenic variant.;Patient's phenotype or family history is highly specific for a disease with a single genetic etiology.

Retina International
No classification provided. Review status: no classification provided. Collection method: not provided. Allele origin: unknown. Not counted in ClinVar's aggregate classification.

Literature cited by the submitters: PubMed 13680365 (cited by 3 submitters); PubMed 18463683 (cited by Victorian Clinical Genetics Services, Murdoch Childrens Research Institute and Molecular Diagnostics Laboratory, M Health Fairview: University of Minnesota); PubMed 28451379 (cited by Victorian Clinical Genetics Services, Murdoch Childrens Research Institute); PubMed 33124154 (cited by Victorian Clinical Genetics Services, Murdoch Childrens Research Institute); PubMed 16570240 (cited by Labcorp Genetics (formerly Invitae), Labcorp and Molecular Diagnostics Laboratory, M Health Fairview: University of Minnesota); PubMed 18701257 (cited by Labcorp Genetics (formerly Invitae), Labcorp); PubMed 31077556 (cited by Labcorp Genetics (formerly Invitae), Labcorp); PubMed 1642278 (cited by Labcorp Genetics (formerly Invitae), Labcorp); PubMed 28112372 (cited by Labcorp Genetics (formerly Invitae), Labcorp); PubMed 28266639 (cited by Labcorp Genetics (formerly Invitae), Labcorp).

NM_000372.5(TYR):c.895C>A (p.Arg299Ser)

Gene: TYR (tyrosinase; plus strand). Cytogenetic location: 11q14.3.
Variant type: single nucleotide variant.
Coding change: c.895C>A on transcript NM_000372.5 (MANE Select); coding-DNA position 895, C replaced by A.
Protein change: p.Arg299Ser; replaces arginine 299 with serine.
Molecular consequence: missense variant.
Genome position (GRCh38, 1-based): chr11:89,191,277, C>A. VCF-style: chr11-89191277-C-A. GRCh37 (hg19) VCF-style: chr11-88924445-C-A.
Other names: short protein forms R299S.
Identifiers: ClinVar variation 99587 (VCV000099587.19), dbSNP rs61754374, ClinGen allele CA227599.